The following is an entry in ClinVar:

ClinVar aggregate classification (germline): Conflicting classifications of pathogenicity. Review status: criteria provided, conflicting classifications (1 of 4 stars). 2 submissions from 2 submitters: Uncertain significance (1); Likely benign (1). Last evaluated 2026-07-10.

Conditions:
Hereditary cancer-predisposing syndrome. Also called: Tumor predisposition; Hereditary Cancer Syndrome; Hereditary neoplastic syndrome; Neoplastic Syndromes, Hereditary. Identifiers: Orphanet 140162, MedGen C0027672, MeSH D009386, MONDO:0015356.
Renal cell carcinoma. Identifiers: Orphanet 217071, MedGen C0007134, MeSH D002292, MONDO:0005086, HP:0005584.

Submissions (2):

Ambry Genetics
Classification: Likely benign for Hereditary cancer-predisposing syndrome. Last evaluated: 2026-07-10. Review status: criteria provided, single submitter. Criteria: Ambry Variant Classification Scheme 2023. Collection method: clinical testing. Allele origin: germline.

Labcorp Genetics (formerly Invitae), Labcorp
Classification: Uncertain significance for Renal cell carcinoma. Last evaluated: 2025-03-23. Review status: criteria provided, single submitter. Criteria: Invitae Variant Classification Sherloc (09022015). Collection method: clinical testing. Allele origin: germline.
Comment: This sequence change replaces asparagine, which is neutral and polar, with lysine, which is basic and polar, at codon 631 of the MET protein (p.Asn631Lys). This variant is not present in population databases (gnomAD no frequency). This variant has not been reported in the literature in individuals affected with MET-related conditions. ClinVar contains an entry for this variant (Variation ID: 1057876). An algorithm developed to predict the effect of missense changes on protein structure and function (PolyPhen-2) suggests that this variant is likely to be tolerated. In summary, the available evidence is currently insufficient to determine the role of this variant in disease. Therefore, it has been classified as a Variant of Uncertain Significance.

NM_000245.4(MET):c.1893T>G (p.Asn631Lys)

Gene: MET (MET proto-oncogene, receptor tyrosine kinase; plus strand). Cytogenetic location: 7q31.2.
Variant type: single nucleotide variant.
Coding change: c.1893T>G on transcript NM_000245.4 (MANE Select); coding-DNA position 1893, T replaced by G.
Protein change: p.Asn631Lys; replaces asparagine 631 with lysine.
Molecular consequence: missense variant.
Genome position (GRCh38, 1-based): chr7:116,757,467, T>G. VCF-style: chr7-116757467-T-G. GRCh37 (hg19) VCF-style: chr7-116397521-T-G.
Other names: c.1893T>G (NM_001127500.1); c.1893T>G, p.Asn631Lys (NM_001127500.3, NM_001324401.3); c.603T>G, p.Asn201Lys (NM_001324402.2); short protein forms N201K, N631K.
Identifiers: ClinVar variation 1057876 (VCV001057876.11), dbSNP rs1250868411, ClinGen allele CA368979297.